The following is an entry in ClinVar:

ClinVar aggregate classification (germline): Likely pathogenic (1 of 4 stars; one submission).

Conditions:
Multiple endocrine neoplasia, type 2 (MEN2). Identifiers: Orphanet 653, MedGen C4048306, MONDO:0019003. Disease mechanism: gain of function.

Submission:

Labcorp Genetics (formerly Invitae), Labcorp
Classification: Likely pathogenic for Multiple endocrine neoplasia, type 2. Last evaluated: 2022-05-20. Review status: criteria provided, single submitter. Criteria: Invitae Variant Classification Sherloc (09022015). Collection method: clinical testing. Allele origin: germline.
Comment: In summary, the currently available evidence indicates that the variant is pathogenic, but additional data are needed to prove that conclusively. Therefore, this variant has been classified as Likely Pathogenic. Algorithms developed to predict the effect of sequence changes on RNA splicing suggest that this variant may create or strengthen a splice site. Algorithms developed to predict the effect of missense changes on protein structure and function (SIFT, PolyPhen-2, Align-GVGD) all suggest that this variant is likely to be disruptive. This missense change has been observed in individual(s) with Hirschsprung disease (HD) (Invitae). In at least one individual the variant was observed to be de novo. This variant is not present in population databases (gnomAD no frequency). This sequence change replaces cysteine, which is neutral and slightly polar, with tyrosine, which is neutral and polar, at codon 541 of the RET protein (p.Cys541Tyr).

NM_020975.6(RET):c.1622G>A (p.Cys541Tyr)

Gene: RET (ret proto-oncogene; plus strand). Cytogenetic location: 10q11.21.
Variant type: single nucleotide variant.
Coding change: c.1622G>A on transcript NM_020975.6 (MANE Select); coding-DNA position 1622, G replaced by A.
Protein change: p.Cys541Tyr; replaces cysteine 541 with tyrosine.
Molecular consequence: missense variant.
Genome position (GRCh38, 1-based): chr10:43,112,198, G>A. VCF-style: chr10-43112198-G-A. GRCh37 (hg19) VCF-style: chr10-43607646-G-A.
Other names: c.1493G>A, p.Cys498Tyr (NM_001406761.1, NM_001406762.1, NM_001406764.1 and 1 more transcripts); c.1622G>A, p.Cys541Tyr (NM_001406763.1, NM_001406765.1, NM_000323.2 and 6 more transcripts); c.1334G>A, p.Cys445Tyr (NM_001406766.1, NM_001406767.1, NM_001406770.1); c.1226G>A, p.Cys409Tyr (NM_001406769.1, NM_001406772.1); c.860G>A, p.Cys287Tyr (NM_001355216.2); c.1184G>A, p.Cys395Tyr (NM_001406771.1, NM_001406773.1); c.1097G>A, p.Cys366Tyr (NM_001406774.1); c.896G>A, p.Cys299Tyr (NM_001406775.1, NM_001406776.1, NM_001406777.1 and 1 more transcripts); and 5 more; short protein forms C498Y, C211Y, C242Y, C395Y, C409Y, C199Y, C287Y, C445Y.
Identifiers: ClinVar variation 2133665 (VCV002133665.4), dbSNP rs2538460738, ClinGen allele CA376550769.
Genomic context (GRCh38, chr10:43,112,198, plus strand): 5'-TCAGCAAGAGACGGCTGGAGTGTGAGGAGTGTGGCGGCCTGGGCTCCCCAACAGGCAGGT[G>A]TGAGTGGAGGCAAGGAGATGGCAAAGGTAAGCCCTGGAAACGCCCAAGGGAGGCCTGCAG-3'
Protein context (NP_066124.1, residues 531-551): CGGLGSPTGR[Cys541Tyr]EWRQGDGKGI